The following is an entry in ClinVar:

ClinVar aggregate classification (germline): Uncertain significance (1 of 4 stars; one submission).

gnomAD v4.1: 1 of 1,614,090 alleles (0.000062%); highest among the groups gnomAD compares: Non-Finnish European, 0.000085%; no homozygotes.

Submission:

Ambry Genetics
Classification: Uncertain significance. Last evaluated: 2026-04-04. Review status: criteria provided, single submitter. Criteria: Ambry Variant Classification Scheme 2023. Collection method: clinical testing. Allele origin: germline.
Comment: The p.P656S variant (also known as c.1966C>T), located in coding exon 1 of the TET2 gene, results from a C to T substitution at nucleotide position 1966. The proline at codon 656 is replaced by serine, an amino acid with similar properties. This amino acid position is conserved. In addition, this alteration is predicted to be tolerated by in silico analysis. Based on the available evidence, the clinical significance of this variant remains unclear.

NM_001127208.3(TET2):c.1966C>T (p.Pro656Ser)

Genes: TET2 (tet methylcytosine dioxygenase 2; plus strand), TET2-AS1 (TET2 antisense RNA 1; minus strand). Cytogenetic location: 4q24.
Variant type: single nucleotide variant.
Coding change: c.1966C>T on transcript NM_001127208.3 (MANE Select); coding-DNA position 1966, C replaced by T.
Protein change: p.Pro656Ser; replaces proline 656 with serine.
Molecular consequence: missense variant.
Genome position (GRCh38, 1-based): chr4:105,235,908, C>T. VCF-style: chr4-105235908-C-T. GRCh37 (hg19) VCF-style: chr4-106157065-C-T.
Other names: c.1966C>T, p.Pro656Ser (NM_017628.4); short protein forms P656S.
Identifiers: ClinVar variation 4865521 (VCV004865521.1).
Genomic context (GRCh38, chr4:105,235,908, plus strand): 5'-GTTGAAATGAATCAAGGGCAGTCCCAAGGTACAGTGGACCAACATCTCCAGTTCCAAAAA[C>T]CCTCACACCAGGTGCACTTCTCCAAAACAGACCATTTACCAAAAGCTCATGTGCAGTCAC-3'
Protein context (NP_001120680.1, residues 646-666): TVDQHLQFQK[Pro656Ser]SHQVHFSKTD